The following is an entry in ClinVar:

NM_000143.4(FH):c.1212G>T (p.Glu404Asp)

Gene: FH (fumarate hydratase; minus strand). Cytogenetic location: 1q43.
Variant type: single nucleotide variant.
Coding change: c.1212G>T on transcript NM_000143.4 (MANE Select); coding-DNA position 1212, G replaced by T.
Protein change: p.Glu404Asp; replaces glutamic acid 404 with aspartic acid.
Molecular consequence: missense variant.
Genome position (GRCh38, 1-based): chr1:241,502,467, C>A on the plus strand (G>T on the coding strand, the complement: FH is on the minus strand). VCF-style: chr1-241502467-C-A. GRCh37 (hg19) VCF-style: chr1-241665767-C-A.
Other names: short protein forms E404D.
Identifiers: ClinVar variation 2179814 (VCV002179814.4), dbSNP rs752558644, ClinGen allele CA345437304.
Genomic context (GRCh38, chr1:241,502,467, plus strand): 5'-GGTCAAAAAACATTAAAAATCAGATTTAAAGCTTACCATCATTGGCTTGAAAACATTCAA[C>A]TCAAAATGTCCATTGCTGCCTCCGACAGTGACAGCAACATGGTTCCCCATGACTTGGGCT-3'
Protein context (NP_000134.2, residues 394-414): VTVGGSNGHF[Glu404Asp]LNVFKPMMIK

ClinVar aggregate classification (germline): Uncertain significance (1 of 4 stars; one submission).

Submission:

Labcorp Genetics (formerly Invitae), Labcorp
Classification: Uncertain significance. Last evaluated: 2022-07-06. Review status: criteria provided, single submitter. Criteria: Invitae Variant Classification Sherloc (09022015). Collection method: clinical testing. Allele origin: germline.
Comment: This variant is not present in population databases (gnomAD no frequency). This sequence change replaces glutamic acid, which is acidic and polar, with aspartic acid, which is acidic and polar, at codon 404 of the FH protein (p.Glu404Asp). This missense change has been observed in individual(s) with primary cardiac angiosarcoma (PMID: 30062063). Advanced modeling of protein sequence and biophysical properties (such as structural, functional, and spatial information, amino acid conservation, physicochemical variation, residue mobility, and thermodynamic stability) performed at Invitae indicates that this missense variant is expected to disrupt FH protein function. Experimental studies have shown that this missense change affects FH function (PMID: 30062063). In summary, the available evidence is currently insufficient to determine the role of this variant in disease. Therefore, it has been classified as a Variant of Uncertain Significance.

Literature cited by the submitters: PubMed 30062063.